The following is an entry in ClinVar:

ClinVar aggregate classification (germline): Uncertain significance (1 of 4 stars; one submission).

Conditions:
Inborn genetic diseases. Identifiers: MedGen C0950123, MeSH D030342.

Submission:

Ambry Genetics
Classification: Uncertain significance for Inborn genetic diseases. Last evaluated: 2025-11-11. Review status: criteria provided, single submitter. Criteria: Ambry Variant Classification Scheme 2023. Collection method: clinical testing. Allele origin: germline.
Comment: The p.Q486E variant (also known as c.1456C>G), located in coding exon 11 of the BMPR2 gene, results from a C to G substitution at nucleotide position 1456. The glutamine at codon 486 is replaced by glutamic acid, an amino acid with highly similar properties. This amino acid position is conserved. In addition, the in silico prediction for this alteration is inconclusive. Based on the available evidence, the clinical significance of this variant remains unclear.

NM_001204.7(BMPR2):c.1456C>G (p.Gln486Glu)

Gene: BMPR2 (bone morphogenetic protein receptor type 2; plus strand). Cytogenetic location: 2q33.2.
Variant type: single nucleotide variant.
Coding change: c.1456C>G on transcript NM_001204.7 (MANE Select); coding-DNA position 1456, C replaced by G.
Protein change: p.Gln486Glu; replaces glutamine 486 with glutamic acid.
Molecular consequence: missense variant.
Genome position (GRCh38, 1-based): chr2:202,552,758, C>G. VCF-style: chr2-202552758-C-G. GRCh37 (hg19) VCF-style: chr2-203417481-C-G.
Other names: short protein forms Q486E.
Identifiers: ClinVar variation 4597699 (VCV004597699.1).